The following is an entry in ClinVar:

ClinVar aggregate classification (germline): Pathogenic/Likely pathogenic. Review status: criteria provided, multiple submitters, no conflicts (2 of 4 stars). 19 submissions from 19 submitters: Pathogenic (13); Likely pathogenic (4). 2 of the submissions do not count toward it. Last evaluated 2026-09-01.

Conditions:
SLC12A3-related disorder. Also called: SLC12A3-related condition.
Bartter syndrome. Identifiers: Orphanet 112, MedGen C0004775, MONDO:0015231.
Familial hypokalemia-hypomagnesemia (GTLMNS). Also called: POTASSIUM AND MAGNESIUM DEPLETION; gitelman syndrome; HYPOMAGNESEMIA-HYPOKALEMIA, PRIMARY RENOTUBULAR, WITH HYPOCALCIURIA. Identifiers: Orphanet 358, MedGen C0268450, MONDO:0009904, OMIM 263800.
Renal tubulopathies.

Allele frequency attached by ClinVar (database versions not stated): TOPMed 0.00008; gnomAD 0.00009 and 0.00011.
gnomAD v4.1: 200 of 1,613,892 alleles (0.012%); highest among the groups gnomAD compares: Non-Finnish European, 0.015%; no homozygotes.

Submissions 1 to 12 of 19:

Genetics Laboratory, Great Ormond Street Hospital NHS Foundation Trust, North Thames Genomic Laboratory Hub
Classification: Pathogenic for Renal tubulopathies. Last evaluated: 2026-09-01. Review status: criteria provided, single submitter. Criteria: ACGS Best Practice Guidelines for Variant Classification in Rare Disease 2024 v1.2. Collection method: clinical testing. Allele origin: germline. Affected: yes.
Comment: PM2_moderate, PP1_strong, PM3_very-strong

CeGaT Center for Human Genetics Tuebingen
Classification: Pathogenic. Last evaluated: 2026-03-01. Review status: criteria provided, single submitter. Criteria: CeGaT Center For Human Genetics Tuebingen Variant Classification Criteria Version 2. Collection method: clinical testing. Allele origin: germline. Affected: yes. Observed: 1 variant allele.
Comment: SLC12A3: PM3:Very Strong, PM1, PM2, PM5, PM6

3billion
Classification: Pathogenic for Familial hypokalemia-hypomagnesemia. Last evaluated: 2026-01-27. Review status: criteria provided, single submitter. Criteria: ACMG Guidelines, 2015. Collection method: clinical testing. Allele origin: germline. Affected: yes.
Comment: The variant is observed at an extremely low frequency in the gnomAD v4.1.0 dataset (total allele frequency: 0.012%). Predicted Consequence/Location: Missense variant In silico tool predictions suggest damaging effect of the variant on gene or gene product [3Cnet: 0.90 (> 0.75, sensitivity 0.96 and precision 0.92)]. The same nucleotide change resulting in the same amino acid change has been previously reported as pathogenic/likely pathogenic with strong evidence (ClinVar ID: VCV000008588 /PMID: 8528245 /3billion dataset). The variant has been reported to be in trans with a pathogenic variant as either compound heterozygous or homozygous in at least 2 similarly affected unrelated individuals (PMID: 11168953, 22934535, 24776766). Different missense changes at the same codon (p.Arg655Cys, p.Arg655Leu) have been reported as pathogenic/likely pathogenic with strong evidence (ClinVar ID: VCV000008589, VCV000840885 /PMID: 8528245, 9734597 /3billion dataset). Therefore, this variant is classified as Pathogenic according to the recommendation of ACMG/AMP guideline.

GeneDx
Classification: Pathogenic. Last evaluated: 2026-01-13. Review status: criteria provided, single submitter. Criteria: GeneDx Variant Classification Process June 2021. Collection method: clinical testing. Allele origin: germline. Affected: yes.
Comment: In silico analysis supports that this missense variant has a deleterious effect on protein structure/function; This variant is associated with the following publications: (PMID: 8528245, 11168953, 22934535, 26990548, 17329572, 12590198, 8900229, 28469853, 12112667, 34426522, 24776766, 22009145, 19207868, 31398183, 33996672, 31672324, 33226606, 33532864, Guven[CaseReport]2021, 35591852, 28700713, 35628451, 40140779)

Labcorp Genetics (formerly Invitae), Labcorp
Classification: Pathogenic. Last evaluated: 2025-12-25. Review status: criteria provided, single submitter. Criteria: Invitae Variant Classification Sherloc (09022015). Collection method: clinical testing. Allele origin: germline.
Comment: This sequence change replaces arginine, which is basic and polar, with histidine, which is basic and polar, at codon 655 of the SLC12A3 protein (p.Arg655His). This variant is present in population databases (rs121909380, gnomAD 0.02%). This missense change has been observed in individuals with Gitelman syndrome (PMID: 11168953, 22009145, 22934535, 24776766). ClinVar contains an entry for this variant (Variation ID: 8588). Invitae Evidence Modeling of protein sequence and biophysical properties (such as structural, functional, and spatial information, amino acid conservation, physicochemical variation, residue mobility, and thermodynamic stability) indicates that this missense variant is expected to disrupt SLC12A3 protein function with a positive predictive value of 95%. This variant disrupts the p.Arg655 amino acid residue in SLC12A3. Other variant(s) that disrupt this residue have been observed in individuals with SLC12A3-related conditions (PMID: 9734597, 11168953, 22214629), which suggests that this may be a clinically significant amino acid residue. For these reasons, this variant has been classified as Pathogenic.

Department of Molecular Genetics, Istishari Arab Hospital
Classification: Pathogenic for Familial hypokalemia-hypomagnesemia. Last evaluated: 2025-09-09. Review status: criteria provided, single submitter. Criteria: ACMG Guidelines, 2015. Collection method: clinical testing. Allele origin: germline. Inheritance: Autosomal recessive inheritance. Affected: yes.
Comment: The SLC12A3 variant c.1964G>A p.(Arg655His) causes an amino acid change from Arg to His at position 655 in exon(s) no. 16 (of 26). According to HGMD Professional 2023.3, this variant has previously been described as disease causing for Gitelman syndrome (PMID: 8528245, 33532864, 31672324). In-house, this variant was previously reported as disease-causing in 2 patients with Gitelman syndrome. It is classified as pathogenic (class 1) according to the recommendations of ACMG/AMP/ClinGen SVI guidelines.

Natera, Inc.
Classification: Pathogenic for Gitelman syndrome. Last evaluated: 2025-08-18. Review status: criteria provided, single submitter. Criteria: Natera Variant Classification Schema (03/2026). Collection method: clinical testing. Allele origin: germline.
Comment: The c.1964G>A variant in SLC12A3 is a missense variant predicted to cause substitution of arginine to histidine at amino acid 655. This variant is rare in the general population with a frequency below the threshold expected for the associated phenotype(s). This variant has been observed in one or more individuals affected with the associated recessive disease, as either homozygous or compound heterozygous with a second variant (PMID: 19207868, 17329572, 33382082). A different variant at the same position has been determined to be Pathogenic or Likely Pathogenic. Computational prediction algorithms indicate this variant is likely to affect gene or protein function. Given the available evidence, this variant is classified as Pathogenic.

Victorian Clinical Genetics Services, Murdoch Childrens Research Institute
Classification: Pathogenic for Familial hypokalemia-hypomagnesemia. Last evaluated: 2025-06-27. Review status: criteria provided, single submitter. Criteria: ACMG Guidelines, 2015. Collection method: clinical testing. Allele origin: germline. Affected: yes.
Comment: This variant is classified as Pathogenic. Evidence in support of pathogenic classification: Variant is present in gnomAD <0.01 for a recessive condition (v4: 200 heterozygote(s), 0 homozygote(s)); This variant has strong previous evidence of pathogenicity in unrelated individuals. This variant is classified as likely pathogenic/pathogenic by clinical laboratories in ClinVar, and reported in individuals with Gitelman syndrome in the literature (PMID: 33996672, 33226606, 35628451). Additional information: Variant is predicted to result in a missense amino acid change from arginine to histidine; This variant is homozygous; This gene is associated with autosomal recessive disease; Multiple alternative amino acid changes at the same position have been observed in gnomAD (highest allele count v4: 37 heterozygote(s), 0 homozygote(s)); Variant is located in the annotated SLC12 domain (DECIPHER); Missense variant with conflicting in silico predictions and uninformative conservation; Loss of function is a known mechanism of disease in this gene and is associated with Gitelman syndrome (MIM#263800); Inheritance information for this variant is not currently available in this individual.

Blueprint Genetics
Classification: Pathogenic for SLC12A3-related disorders. Last evaluated: 2024-11-27. Review status: criteria provided, single submitter. Criteria: ACMG Guidelines, 2015. Collection method: clinical testing. Allele origin: germline. Affected: yes. Observed: 5 variant alleles.

Genomic Medicine Center of Excellence, King Faisal Specialist Hospital and Research Centre
Classification: Pathogenic for Familial hypokalemia-hypomagnesemia. Last evaluated: 2024-03-29. Review status: criteria provided, single submitter. Criteria: ACMG Guidelines, 2015. Collection method: clinical testing. Allele origin: germline.

Fulgent Genetics
Classification: Pathogenic for Familial hypokalemia-hypomagnesemia. Last evaluated: 2024-03-02. Review status: criteria provided, single submitter. Criteria: ACMG Guidelines, 2015. Collection method: clinical testing. Allele origin: germline.

Women's Health and Genetics/Laboratory Corporation of America, LabCorp
Classification: Pathogenic for Familial hypokalemia-hypomagnesemia. Last evaluated: 2022-12-29. Review status: criteria provided, single submitter. Criteria: LabCorp Variant Classification Summary - May 2015. Collection method: clinical testing. Allele origin: germline.
Comment: Variant summary: SLC12A3 c.1964G>A (p.Arg655His) results in a non-conservative amino acid change located in the SLC12A transporter, C-terminal domain (IPR018491) of the encoded protein sequence. Five of five in-silico tools predict a damaging effect of the variant on protein function. The variant allele was found at a frequency of 8e-05 in 251024 control chromosomes. This frequency does not allow conclusions about variant significance. c.1964G>A has been reported in the literature in multiple individuals affected with Familial Hypokalemia-Hypomagnesemia, Gitelman syndrome (GS) (example, PMID: 33532864, 22009145, 19207868, 17329572, 32542819). These data indicate that the variant is very likely to be associated with disease. To our knowledge, no experimental evidence demonstrating an impact on protein function has been reported. Eight clinical diagnostic laboratories have submitted clinical-significance assessments for this variant to ClinVar after 2014 (P/LP, n=7; VUS, n=1). Based on the evidence outlined above, the variant was classified as pathogenic.

NM_001126108.2(SLC12A3):c.1964G>A (p.Arg655His)

Gene: SLC12A3 (solute carrier family 12 member 3; plus strand). Cytogenetic location: 16q13.
Variant type: single nucleotide variant.
Coding change: c.1964G>A on transcript NM_001126108.2 (MANE Select); coding-DNA position 1964, G replaced by A.
Protein change: p.Arg655His; replaces arginine 655 with histidine.
Molecular consequence: missense variant.
Genome position (GRCh38, 1-based): chr16:56,886,402, G>A. VCF-style: chr16-56886402-G-A. GRCh37 (hg19) VCF-style: chr16-56920314-G-A.
Other names: c.1964G>A, p.Arg655His (NM_000339.3); c.1961G>A, p.Arg654His (NM_001126107.2); short protein forms R655H, R654H.
Identifiers: ClinVar variation 8588 (VCV000008588.44), dbSNP rs121909380, ClinGen allele CA119770.